The following is an entry in ClinVar:

ClinVar aggregate classification (germline): Uncertain significance (1 of 4 stars; one submission).

Conditions:
Cardiovascular phenotype. Identifiers: MedGen CN230736.

Submission:

Ambry Genetics
Classification: Uncertain significance for Cardiovascular phenotype. Last evaluated: 2026-05-17. Review status: criteria provided, single submitter. Criteria: Ambry Variant Classification Scheme 2023. Collection method: clinical testing. Allele origin: germline.
Comment: The p.P594R variant (also known as c.1781C>G), located in coding exon 31 of the COL1A2 gene, results from a C to G substitution at nucleotide position 1781. The proline at codon 594 is replaced by arginine, an amino acid with dissimilar properties. This amino acid position is conserved. In addition, this alteration is predicted to be deleterious by in silico analysis. Based on the available evidence, the clinical significance of this variant remains unclear.

NM_000089.4(COL1A2):c.1781C>G (p.Pro594Arg)

Gene: COL1A2 (collagen type I alpha 2 chain; plus strand). Cytogenetic location: 7q21.3.
Variant type: single nucleotide variant.
Coding change: c.1781C>G on transcript NM_000089.4 (MANE Select); coding-DNA position 1781, C replaced by G.
Protein change: p.Pro594Arg; replaces proline 594 with arginine.
Molecular consequence: missense variant.
Genome position (GRCh38, 1-based): chr7:94,416,421, C>G. VCF-style: chr7-94416421-C-G. GRCh37 (hg19) VCF-style: chr7-94045733-C-G.
Other names: short protein forms P594R.
Identifiers: ClinVar variation 4869133 (VCV004869133.1).
Genomic context (GRCh38, chr7:94,416,421, plus strand): 5'-AAAGTGATGAATGGTGCAACACTTCTTCTAATCACTTTTTTCAGGGGGAACGCGGTCCCC[C>G]AGGTGAGAGTGGTGCTGCCGGTCCTACTGGTCCTATTGGAAGCCGAGGTCCTTCTGGACC-3'
Protein context (NP_000080.2, residues 584-604): PAGPRGERGP[Pro594Arg]GESGAAGPTG